The following is an entry in ClinVar:

NM_000169.3(GLA):c.298A>T (p.Arg100Ter)

Genes: GLA (galactosidase alpha; minus strand), RPL36A-HNRNPH2 (RPL36A-HNRNPH2 readthrough; plus strand). Cytogenetic location: Xq22.1.
Variant type: single nucleotide variant.
Coding change: c.298A>T on transcript NM_000169.3 (MANE Select); coding-DNA position 298, A replaced by T.
Protein change: p.Arg100Ter; replaces arginine 100 with a stop codon.
Molecular consequence: nonsense. On other transcripts: non-coding transcript variant (3), intron variant (2).
Genome position (GRCh38, 1-based): chrX:101,403,882, T>A on the plus strand (A>T on the coding strand, the complement: GLA is on the minus strand). VCF-style: chrX-101403882-T-A. GRCh37 (hg19) VCF-style: chrX-100658870-T-A.
Other names: c.421A>T, p.Arg141Ter (NM_001406747.1, NM_001406749.1); c.298A>T, p.Arg100Ter (NM_001406748.1); c.301-8054T>A (NM_001199973.2); c.178-8054T>A (NM_001199974.2); short protein forms R100*, R141*.
Identifiers: ClinVar variation 222208 (VCV000222208.10), dbSNP rs869312272, ClinGen allele CA352762.

ClinVar aggregate classification (germline): Pathogenic/Likely pathogenic. Review status: criteria provided, multiple submitters, no conflicts (2 of 4 stars). 2 submissions from 2 submitters: Pathogenic (1); Likely pathogenic (1). Last evaluated 2026-09-08.

Conditions:
Fabry disease. Also called: GLA DEFICIENCY; HEREDITARY DYSTOPIC LIPIDOSIS; Fabry's disease; Angiokeratoma corporis diffusum; Ceramide trihexosidosis; ALPHA-GALACTOSIDASE A DEFICIENCY. Identifiers: Orphanet 324, MedGen C0002986, MONDO:0010526, OMIM 301500, HP:0001071. Disease mechanism: loss of function, Fabry disease is due to inactivating mutations in the X-linked GLA gene resulting in deficiency of the enzyme Alpha Galactosidase-A..

Submissions (2):

Genomenon, Inc
Classification: Likely pathogenic for Fabry disease. Last evaluated: 2026-09-08. Review status: criteria provided, single submitter. Criteria: Genomenon Sequence Variant Interpretation Standards - Updated. Collection method: curation. Allele origin: germline. Affected: no.
Comment: GLA p.Arg100Ter (c.298A>T) is a nonsense variant that introduces a premature stop codon at amino acid position 100 and is predicted to result in a truncated or absent protein product. This variant has been reported in the published literature (PMID:29631605). It is absent or not present at a significant frequency in gnomAD. In conclusion, we classify GLA p.Arg100Ter (c.298A>T) as a likely pathogenic variant.

Labcorp Genetics (formerly Invitae), Labcorp
Classification: Pathogenic for Fabry disease. Last evaluated: 2019-06-07. Review status: criteria provided, single submitter. Criteria: Invitae Variant Classification Sherloc (09022015). Collection method: clinical testing. Allele origin: germline.
Comment: For these reasons, this variant has been classified as Pathogenic. Loss-of-function variants in GLA are known to be pathogenic (PMID: 10666480, 12175777). This variant has not been reported in the literature in individuals with GLA-related conditions. This variant is not present in population databases (ExAC no frequency). This sequence change creates a premature translational stop signal (p.Arg100*) in the GLA gene. It is expected to result in an absent or disrupted protein product.

Literature cited by the submitters: PubMed 29631605 (cited by Genomenon, Inc); PubMed 10666480 (cited by Labcorp Genetics (formerly Invitae), Labcorp); PubMed 12175777 (cited by Labcorp Genetics (formerly Invitae), Labcorp).